The following is an entry in ClinVar:

ClinVar aggregate classification (germline): Conflicting classifications of pathogenicity. Review status: criteria provided, conflicting classifications (1 of 4 stars). 4 submissions from 4 submitters: Uncertain significance (1); Likely benign (2). 1 of the submissions does not count toward it. Last evaluated 2026-07-10.

Conditions:
Inborn genetic diseases. Identifiers: MedGen C0950123, MeSH D030342.

Allele frequency attached by ClinVar (database versions not stated): gnomAD 0.00006; ExAC 0.00013; TOPMed 0.00007; ESP Exome Variant Server 0.00008; gnomAD exomes 0.00008.
gnomAD v4.1: 135 of 1,605,672 alleles (0.0084%); highest among the groups gnomAD compares: Middle Eastern, 0.083%; 1 homozygote.

Submissions (4):

Ambry Genetics
Classification: Likely benign for Inborn genetic diseases. Last evaluated: 2026-07-10. Review status: criteria provided, single submitter. Criteria: Ambry Variant Classification Scheme 2023. Collection method: clinical testing. Allele origin: germline.

Blueprint Genetics
Classification: Likely benign. Last evaluated: 2024-11-11. Review status: criteria provided, single submitter. Criteria: ACMG Guidelines, 2015. Collection method: clinical testing. Allele origin: germline.

Labcorp Genetics (formerly Invitae), Labcorp
Classification: Uncertain significance. Last evaluated: 2023-11-07. Review status: criteria provided, single submitter. Criteria: Invitae Variant Classification Sherloc (09022015). Collection method: clinical testing. Allele origin: germline.
Comment: This sequence change replaces arginine, which is basic and polar, with glutamine, which is neutral and polar, at codon 416 of the GFAP protein (p.Arg416Gln). This variant is present in population databases (rs201270155, gnomAD 0.01%). This variant has not been reported in the literature in individuals affected with GFAP-related conditions. ClinVar contains an entry for this variant (Variation ID: 1049190). Advanced modeling of protein sequence and biophysical properties (such as structural, functional, and spatial information, amino acid conservation, physicochemical variation, residue mobility, and thermodynamic stability) has been performed at Invitae for this missense variant, however the output from this modeling did not meet the statistical confidence thresholds required to predict the impact of this variant on GFAP protein function. This variant disrupts the p.Arg416 amino acid residue in GFAP. Other variant(s) that disrupt this residue have been determined to be pathogenic (PMID: 11138011, 16826512, 27814755). This suggests that this residue is clinically significant, and that variants that disrupt this residue are likely to be disease-causing. In summary, the available evidence is currently insufficient to determine the role of this variant in disease. Therefore, it has been classified as a Variant of Uncertain Significance.

Department of Pathology and Laboratory Medicine, Sinai Health System
Classification: Uncertain significance. Review status: no assertion criteria provided. Collection method: clinical testing. Allele origin: unknown. Affected: yes. Study: The Canadian Open Genetics Repository (COGR). Not counted in ClinVar's aggregate classification.
Comment: The GFAP p.Arg416Gln variant was not identified in the literature nor was it identified in ClinVar or Cosmic. The variant was identified in dbSNP (ID: rs201270155), LOVD 3.0 and in control databases in 21 of 282438 chromosomes at a frequency of 0.000074 (Genome Aggregation Database Feb 27, 2017). The variant was observed in the following populations: European (non-Finnish) in 18 of 128946 chromosomes (freq: 0.00014), Other in 1 of 7210 chromosomes (freq: 0.000139) and South Asian in 2 of 30570 chromosomes (freq: 0.000065); it was not observed in the African, Latino, Ashkenazi Jewish, East Asian, and European (Finnish) populations. The R416 residue is a natural citrullination site that undergoes post-translational modification, however it is unknown how the change to glutamine at this position may affect the final protein function (Jin_2013_PMID:23828821). However, it is unclear if the R416Q is also causative of Alexander disease. The p.Arg416 residue is conserved in mammals and computational analyses (PolyPhen-2, SIFT, AlignGVGD, BLOSUM, MutationTaster) provide inconsistent predictions regarding the impact to the protein; this information is not very predictive of pathogenicity. The variant occurs outside of the splicing consensus sequence and in silico or computational prediction software programs (SpliceSiteFinder, MaxEntScan, NNSPLICE, GeneSplicer) do not predict a difference in splicing. In summary, based on the above information the clinical significance of this variant cannot be determined with certainty at this time. This variant is classified as a variant of uncertain significance.

Literature cited by the submitters: PubMed 11138011 (cited by Labcorp Genetics (formerly Invitae), Labcorp); PubMed 16826512 (cited by Labcorp Genetics (formerly Invitae), Labcorp); PubMed 27814755 (cited by Labcorp Genetics (formerly Invitae), Labcorp).

NM_002055.5(GFAP):c.1247G>A (p.Arg416Gln)

Gene: GFAP (glial fibrillary acidic protein; minus strand). Cytogenetic location: 17q21.31.
Variant type: single nucleotide variant.
Coding change: c.1247G>A on transcript NM_002055.5 (MANE Select); coding-DNA position 1247, G replaced by A.
Protein change: p.Arg416Gln; replaces arginine 416 with glutamine.
Molecular consequence: missense variant.
Genome position (GRCh38, 1-based): chr17:44,908,074, C>T on the plus strand (G>A on the coding strand, the complement: GFAP is on the minus strand). VCF-style: chr17-44908074-C-T. GRCh37 (hg19) VCF-style: chr17-42985442-C-T.
Other names: c.1367G>A, p.Arg456Gln (NM_001363846.2); c.1247G>A (NM_002055.4); short protein forms R416Q, R456Q.
Identifiers: ClinVar variation 1049190 (VCV001049190.10), dbSNP rs201270155, ClinGen allele CA8608617.